The following is an entry in ClinVar:

ClinVar aggregate classification (germline): Likely benign (1 of 4 stars; one submission).

Allele frequency attached by ClinVar (database versions not stated): TOPMed 0.00001; ExAC 0.00002; gnomAD exomes 0.00002; gnomAD 0.00003.
gnomAD v4.1: 30 of 1,613,756 alleles (0.0019%); highest among the groups gnomAD compares: Admixed American, 0.005%; no homozygotes.

Submission:

CeGaT Center for Human Genetics Tuebingen
Classification: Likely benign. Last evaluated: 2026-07-01. Review status: criteria provided, single submitter. Criteria: CeGaT Center For Human Genetics Tuebingen Variant Classification Criteria Version 2. Collection method: clinical testing. Allele origin: germline. Affected: yes. Observed: 2 variant alleles.
Comment: VPS41: BP4, BP7

NM_014396.4(VPS41):c.438C>T (p.Thr146=)

Gene: VPS41 (VPS41 subunit of HOPS complex; minus strand). Cytogenetic location: 7p14.1.
Variant type: single nucleotide variant.
Coding change: c.438C>T on transcript NM_014396.4 (MANE Select); coding-DNA position 438, C replaced by T.
Protein change: p.Thr146=; no amino-acid change (threonine 146 retained).
Molecular consequence: synonymous variant.
Genome position (GRCh38, 1-based): chr7:38,817,829, G>A on the plus strand (C>T on the coding strand, the complement: VPS41 is on the minus strand). VCF-style: chr7-38817829-G-A. GRCh37 (hg19) VCF-style: chr7-38857429-G-A.
Other names: c.363C>T, p.Thr121= (NM_080631.4).
Identifiers: ClinVar variation 2657392 (VCV002657392.24), dbSNP rs767652644, ClinGen allele CA4227143.